The following is an entry in ClinVar:

ClinVar aggregate classification (germline): Uncertain significance (1 of 4 stars; one submission).

Allele frequency attached by ClinVar (database versions not stated): TOPMed below 0.00001; gnomAD exomes 0.00001 and 0.00002; ExAC 0.00002.
gnomAD v4.1: 9 of 1,613,618 alleles (0.00056%); highest among the groups gnomAD compares: Non-Finnish European, 0.00076%; no homozygotes.

Submission:

Labcorp Genetics (formerly Invitae), Labcorp
Classification: Uncertain significance. Last evaluated: 2025-07-27. Review status: criteria provided, single submitter. Criteria: Invitae Variant Classification Sherloc (09022015). Collection method: clinical testing. Allele origin: germline.
Comment: This sequence change affects codon 282 of the COL9A2 mRNA. It is a 'silent' change, meaning that it does not change the encoded amino acid sequence of the COL9A2 protein. This variant also falls at the last nucleotide of exon 16, which is part of the consensus splice site for this exon. This variant is present in population databases (rs746692571, gnomAD 0.004%). This variant has not been reported in the literature in individuals affected with COL9A2-related conditions. ClinVar contains an entry for this variant (Variation ID: 1440041). Variants that disrupt the consensus splice site are a relatively common cause of aberrant splicing (PMID: 17576681, 9536098). Algorithms developed to predict the effect of sequence changes on RNA splicing suggest that this variant may disrupt the consensus splice site. In summary, the available evidence is currently insufficient to determine the role of this variant in disease. Therefore, it has been classified as a Variant of Uncertain Significance.

Literature cited by the submitters: PubMed 17576681; PubMed 9536098.

NM_001852.4(COL9A2):c.846G>A (p.Glu282=)

Gene: COL9A2 (collagen type IX alpha 2 chain; minus strand). Cytogenetic location: 1p34.2.
Variant type: single nucleotide variant.
Coding change: c.846G>A on transcript NM_001852.4 (MANE Select); coding-DNA position 846, G replaced by A.
Protein change: p.Glu282=; no amino-acid change (glutamic acid 282 retained).
Molecular consequence: synonymous variant.
Genome position (GRCh38, 1-based): chr1:40,309,938, C>T on the plus strand (G>A on the coding strand, the complement: COL9A2 is on the minus strand). VCF-style: chr1-40309938-C-T. GRCh37 (hg19) VCF-style: chr1-40775610-C-T.
Identifiers: ClinVar variation 1440041 (VCV001440041.6), dbSNP rs746692571, ClinGen allele CA791722.
Genomic context (GRCh38, chr1:40,309,938, plus strand): 5'-CTTGTCCTGCCCAGTACTCCCCAGGGGTCCTGACTGAACAATGGGTGCCTGAGGACTCAC[C>T]TCGTCACCCTTCTCCCCAGCTCGGCCTGGCGGTCCCCTAGGACCTTCCTCACCCTGGCAA-3'
Protein context (NP_001843.1, residues 272-292): PPGRAGEKGD[Glu282=]GSPGIRGPQG